The following is an entry in ClinVar:

NM_015959.4(TMX2):c.198G>A (p.Val66=)

Genes: TMX2 (thioredoxin related transmembrane protein 2; plus strand), TMX2-CTNND1 (TMX2-CTNND1 readthrough (NMD candidate); plus strand). Cytogenetic location: 11q12.1.
Variant type: single nucleotide variant.
Coding change: c.198G>A on transcript NM_015959.4 (MANE Select); coding-DNA position 198, G replaced by A.
Protein change: p.Val66=; no amino-acid change (valine 66 retained).
Molecular consequence: synonymous variant. On other transcripts: non-coding transcript variant (5), 5 prime UTR variant (5).
Genome position (GRCh38, 1-based): chr11:57,737,616, G>A. VCF-style: chr11-57737616-G-A. GRCh37 (hg19) VCF-style: chr11-57505088-G-A.
Other names: c.198G>A, p.Val66= (NM_001144012.3, NM_001347890.2, NM_001347898.2); c.228G>A, p.Val76= (NM_001347891.2); c.-10G>A (NM_001347892.2); c.-162G>A (NM_001347893.2, NM_001347894.2, NM_001347896.2); c.-212G>A (NM_001347895.2).
Identifiers: ClinVar variation 2641794 (VCV002641794.24), dbSNP rs1471955109, ClinGen allele CA474594192.

ClinVar aggregate classification (germline): Likely benign (1 of 4 stars; one submission).

Allele frequency attached by ClinVar (database versions not stated): gnomAD exomes below 0.00001.
gnomAD v4.1: 2 of 1,614,040 alleles (0.00012%); highest among the groups gnomAD compares: Non-Finnish European, 0.000085%; no homozygotes.

Submission:

CeGaT Center for Human Genetics Tuebingen
Classification: Likely benign. Last evaluated: 2022-12-01. Review status: criteria provided, single submitter. Criteria: CeGaT Center For Human Genetics Tuebingen Variant Classification Criteria Version 2. Collection method: clinical testing. Allele origin: germline. Affected: yes. Observed: 1 variant allele.
Comment: TMX2: BP4, BP7